The following is an entry in ClinVar:

ClinVar aggregate classification (germline): Pathogenic (1 of 4 stars; one submission).

Submission:

Labcorp Genetics (formerly Invitae), Labcorp
Classification: Pathogenic. Last evaluated: 2021-06-05. Review status: criteria provided, single submitter. Criteria: Invitae Variant Classification Sherloc (09022015). Collection method: clinical testing. Allele origin: germline.
Comment: This sequence change creates a premature translational stop signal (p.Ser3976*) in the PCLO gene. It is expected to result in an absent or disrupted protein product. Loss-of-function variants in PCLO are known to be pathogenic (PMID: 25832664, 30287594). For these reasons, this variant has been classified as Pathogenic. This variant has not been reported in the literature in individuals with PCLO-related conditions. This variant is not present in population databases (ExAC no frequency).

Literature cited by the submitters: PubMed 25832664; PubMed 30287594.

NM_033026.6(PCLO):c.11927C>G (p.Ser3976Ter)

Gene: PCLO (piccolo presynaptic cytomatrix protein; minus strand). Cytogenetic location: 7q21.11.
Variant type: single nucleotide variant.
Coding change: c.11927C>G on transcript NM_033026.6 (MANE Select); coding-DNA position 11927, C replaced by G.
Protein change: p.Ser3976Ter; replaces serine 3976 with a stop codon.
Molecular consequence: nonsense.
Genome position (GRCh38, 1-based): chr7:82,916,059, G>C on the plus strand (C>G on the coding strand, the complement: PCLO is on the minus strand). VCF-style: chr7-82916059-G-C. GRCh37 (hg19) VCF-style: chr7-82545375-G-C.
Other names: c.11927C>G, p.Ser3976Ter (NM_014510.3); short protein forms S3976*.
Identifiers: ClinVar variation 1417146 (VCV001417146.6), dbSNP rs2116269944, ClinGen allele CA367890903.